The following is an entry in ClinVar:

ClinVar aggregate classification (germline): Conflicting classifications of pathogenicity. Review status: criteria provided, conflicting classifications (1 of 4 stars). 2 submissions from 2 submitters: Uncertain significance (1); Likely benign (1). Last evaluated 2026-08-25.

Conditions:
Tuberous sclerosis 2 (TSC2). Identifiers: Orphanet 805, MedGen C1860707, MONDO:0013199, OMIM 613254.
Hereditary cancer-predisposing syndrome. Also called: Tumor predisposition; Hereditary neoplastic syndrome; Hereditary Cancer Syndrome; Neoplastic Syndromes, Hereditary. Identifiers: Orphanet 140162, MedGen C0027672, MeSH D009386, MONDO:0015356.

gnomAD v4.1: 8 of 1,612,556 alleles (0.0005%); highest among the groups gnomAD compares: South Asian, 0.0088%; no homozygotes.

Submissions (2):

Ambry Genetics
Classification: Uncertain significance for Hereditary cancer-predisposing syndrome. Last evaluated: 2026-08-25. Review status: criteria provided, single submitter. Criteria: Ambry Variant Classification Scheme 2023. Collection method: clinical testing. Allele origin: germline.
Comment: The c.3831C>T variant (also known as p.S1277S), located in coding exon 31 of the TSC2 gene, results from a C to T substitution at nucleotide position 3831. This nucleotide substitution does not change the amino acid at codon 1277. This nucleotide position is not well conserved in available vertebrate species. This variant occurs in an exon that is absent in biologically relevant transcripts (Ekong R et al. Hum Mutat, 2016 Apr;37:364-70). In silico splice site analysis for this alteration is inconclusive, and direct evidence is insufficient at this time (Ambry internal data). Based on the available evidence, the clinical significance of this variant remains unclear.

Labcorp Genetics (formerly Invitae), Labcorp
Classification: Likely benign for Tuberous sclerosis 2. Last evaluated: 2025-10-12. Review status: criteria provided, single submitter. Criteria: Invitae Variant Classification Sherloc (09022015). Collection method: clinical testing. Allele origin: germline.

NM_000548.5(TSC2):c.3831C>T (p.Ser1277=)

Gene: TSC2 (TSC complex subunit 2; plus strand). Cytogenetic location: 16p13.3.
Variant type: single nucleotide variant.
Coding change: c.3831C>T on transcript NM_000548.5 (MANE Select); coding-DNA position 3831, C replaced by T.
Protein change: p.Ser1277=; no amino-acid change (serine 1277 retained).
Molecular consequence: synonymous variant. On other transcripts: non-coding transcript variant (1), intron variant (33).
Genome position (GRCh38, 1-based): chr16:2,082,452, C>T. VCF-style: chr16-2082452-C-T. GRCh37 (hg19) VCF-style: chr16-2132453-C-T.
Other names: c.2358C>T, p.Ser786= (NM_001406690.1); c.2355C>T, p.Ser785= (NM_001406691.1); c.3702C>T, p.Ser1234= (NM_021055.3, NM_001370405.1); c.2341+654C>T (NM_001406693.1, NM_001406692.1, NM_001406694.1); c.3775+654C>T (NM_001406667.1); c.3772+654C>T (NM_001406668.1); c.3214+654C>T (NM_001406683.1, NM_001406682.1); c.3082+654C>T (NM_001406687.1, NM_001406688.1); and 25 more.
Identifiers: ClinVar variation 3651083 (VCV003651083.3).